The following is an entry in ClinVar:

ClinVar aggregate classification (germline): Uncertain significance (1 of 4 stars; one submission).

Submission:

GeneDx
Classification: Uncertain significance. Last evaluated: 2024-09-10. Review status: criteria provided, single submitter. Criteria: GeneDx Variant Classification Process June 2021. Collection method: clinical testing. Allele origin: germline. Affected: yes.
Comment: Frameshift variant predicted to result in protein truncation or nonsense mediated decay in a gene or region of a gene for which loss of function is not a well-established mechanism of disease; Has not been previously published as pathogenic or benign to our knowledge; Variants in candidate genes are classified as variants of uncertain significance in accordance with ACMG guidelines (PMID: 25741868)

NM_003086.4(SNAPC4):c.3378_3385del (p.Arg1126fs)

Gene: SNAPC4 (small nuclear RNA activating complex polypeptide 4; minus strand). Cytogenetic location: 9q34.3.
Variant type: Microsatellite.
Coding change: c.3378_3385del on transcript NM_003086.4 (MANE Select); coding-DNA positions 3378 to 3385, 8 bases deleted (GGCCCCAG; older notation c.3378_3385delGGCCCCAG).
Protein change: p.Arg1126fs; shifts the reading frame from arginine 1126.
Molecular consequence: frameshift variant.
Genome position (GRCh38, 1-based): chr9:136,378,442-136,378,449, CTGGGGCC deleted on the plus strand (GGCCCCAG on the coding strand, the reverse complement: SNAPC4 is on the minus strand); deleting any 8 consecutive bases within chr9:136,378,442-136,378,462 gives the same sequence; the c. name uses the placement nearest the transcript's 3' end. VCF-style (leftmost placement, unchanged base first): chr9-136378441-GCTGGGGCC-G. GRCh37 (hg19) VCF-style: chr9-139272893-GCTGGGGCC-G.
Other names: c.3378_3385del, p.Arg1126fs (NM_001394201.1); c.3294_3301del, p.Arg1098fs (NM_001394202.1, NM_001394203.1); short protein forms R1098fs, R1126fs.
Identifiers: ClinVar variation 4530841 (VCV004530841.1).
Genomic context (GRCh38, chr9:136,378,441, plus strand): 5'-CTGCAGGAAGGCTCCGGTTCCCTGTTCATATTGGCTGGGGGCTGCCAAGAGCTGCTCAAC[GCTGGGGCC>G]CTGGGGCCCTGGGCCGCCCGAGTCTCAGTCAGGGGAGGCAGCAGAGTGGCCAGCAGCCCT-3'